The following is an entry in ClinVar:

NM_001009944.3(PKD1):c.7169_7171del (p.Glu2390del)

Gene: PKD1 (polycystin 1, transient receptor potential channel interacting; minus strand). Cytogenetic location: 16p13.3.
Variant type: Deletion.
Coding change: c.7169_7171del on transcript NM_001009944.3 (MANE Select); coding-DNA positions 7169 to 7171, 3 bases deleted (AGG; older notation c.7169_7171delAGG).
Protein change: p.Glu2390del; deletes glutamic acid 2390.
Molecular consequence: inframe deletion.
Genome position (GRCh38, 1-based): chr16:2,106,843-2,106,845, CCT deleted on the plus strand (AGG on the coding strand, the reverse complement: PKD1 is on the minus strand); deleting any 3 consecutive bases within chr16:2,106,843-2,106,847 gives the same sequence; the c. name uses the placement nearest the transcript's 3' end. VCF-style (leftmost placement, unchanged base first): chr16-2106842-CCCT-C. GRCh37 (hg19) VCF-style: chr16-2156843-CCCT-C.
Other names: c.7169_7171del, p.Glu2390del (NM_000296.4); c.7169_7171delAGG (NM_000296.3); short protein forms E2390del.
Identifiers: ClinVar variation 448001 (VCV000448001.4), dbSNP rs1555453367, ClinGen allele CA658658348.

ClinVar aggregate classification (germline): Uncertain significance. Review status: criteria provided, multiple submitters, no conflicts (2 of 4 stars). 2 submissions from 2 submitters: Uncertain significance (2). Last evaluated 2023-01-31.

Conditions:
Inborn genetic diseases. Identifiers: MedGen C0950123, MeSH D030342.

Submissions (2):

Ambry Genetics
Classification: Uncertain significance for Inborn genetic diseases. Last evaluated: 2023-01-31. Review status: criteria provided, single submitter. Criteria: Ambry Variant Classification Scheme 2023. Collection method: clinical testing. Allele origin: germline.
Comment: The c.7169_7171delAGG (p.E2390del) alteration, located in coding exon 17 of the PKD1 gene, results from an in-frame deletion of 3 nucleotides at positions c.7169 to c.7171. This results in the deletion of a glutamic acid residue at codon 2390. This variant was not reported in population-based cohorts in the Genome Aggregation Database (gnomAD). This amino acid position is not well conserved in available vertebrate species. This alteration is predicted to be deleterious by in silico analysis (Choi, 2012). Based on insufficient or conflicting evidence, the clinical significance of this alteration remains unclear.

Athena Diagnostics
Classification: Uncertain significance. Last evaluated: 2016-09-22. Review status: criteria provided, single submitter. Criteria: Athena Diagnostics Criteria. Collection method: clinical testing. Allele origin: germline.